The following is an entry in ClinVar:

ClinVar aggregate classification (germline): Likely benign (1 of 4 stars; one submission).

Submission:

CeGaT Center for Human Genetics Tuebingen
Classification: Likely benign. Last evaluated: 2025-01-01. Review status: criteria provided, single submitter. Criteria: CeGaT Center For Human Genetics Tuebingen Variant Classification Criteria Version 2. Collection method: clinical testing. Allele origin: germline. Affected: yes. Observed: 1 variant allele.
Comment: RYR3: PM2:Supporting, BP4, BP7

NM_001036.6(RYR3):c.10839A>G (p.Lys3613=)

Gene: RYR3 (ryanodine receptor 3; plus strand). Cytogenetic location: 15q14.
Variant type: single nucleotide variant.
Coding change: c.10839A>G on transcript NM_001036.6 (MANE Select); coding-DNA position 10839, A replaced by G.
Protein change: p.Lys3613=; no amino-acid change (lysine 3613 retained).
Molecular consequence: synonymous variant.
Genome position (GRCh38, 1-based): chr15:33,821,293, A>G. VCF-style: chr15-33821293-A-G. GRCh37 (hg19) VCF-style: chr15-34113494-A-G.
Other names: c.10824A>G, p.Lys3608= (NM_001243996.4).
Identifiers: ClinVar variation 3772381 (VCV003772381.13).